The following is an entry in ClinVar:

NM_001347702.2(SYNE1):c.1505C>T (p.Thr502Ile)

Gene: SYNE1 (spectrin repeat containing nuclear envelope protein 1; minus strand). Cytogenetic location: 6q25.2.
Variant type: single nucleotide variant.
Coding change: c.1505C>T on transcript NM_001347702.2 (MANE Plus Clinical); coding-DNA position 1505, C replaced by T.
Protein change: p.Thr502Ile; replaces threonine 502 with isoleucine.
Molecular consequence: missense variant. On other transcripts: intron variant (2).
Genome position (GRCh38, 1-based): chr6:152,145,492, G>A on the plus strand (C>T on the coding strand, the complement: SYNE1 is on the minus strand). VCF-style: chr6-152145492-G-A. GRCh37 (hg19) VCF-style: chr6-152466627-G-A.
Other names: c.24827C>T, p.Thr8276Ile (NM_033071.5); c.24977-1727C>T (NM_182961.4); c.1583-1727C>T (NM_001347701.2); short protein forms T502I, T8276I.
Identifiers: ClinVar variation 2684053 (VCV002684053.1), dbSNP rs572962685, ClinGen allele CA4053018.

ClinVar aggregate classification (germline): Uncertain significance (1 of 4 stars; one submission).

Allele frequency attached by ClinVar (database versions not stated): ExAC 0.00001; gnomAD exomes 0.00001; gnomAD 0.00002; TOPMed 0.00002; 1000 Genomes Project 0.00040; 1000 Genomes Project 30x 0.00047.
gnomAD v4.1: 16 of 1,614,012 alleles (0.00099%); highest among the groups gnomAD compares: Admixed American, 0.022%; no homozygotes.

Submission:

Athena Diagnostics
Classification: Uncertain significance. Last evaluated: 2022-11-07. Review status: criteria provided, single submitter. Criteria: Athena Diagnostics Criteria. Collection method: clinical testing. Allele origin: unknown.
Comment: Available data are insufficient to determine the clinical significance of the variant at this time. The frequency of this variant in the general population is uninformative in assessment of its pathogenicity. Computational tools disagree on the variant's effect on normal protein function.